The following is an entry in ClinVar:

ClinVar aggregate classification (germline): Uncertain significance (1 of 4 stars; one submission).

Allele frequency attached by ClinVar (database versions not stated): gnomAD exomes below 0.00001 and 0.00001; gnomAD 0.00001; TOPMed 0.00001.
gnomAD v4.1: 10 of 1,613,576 alleles (0.00062%); highest among the groups gnomAD compares: African/African-American, 0.0027%; no homozygotes.

Submission:

Labcorp Genetics (formerly Invitae), Labcorp
Classification: Uncertain significance. Last evaluated: 2022-07-26. Review status: criteria provided, single submitter. Criteria: Invitae Variant Classification Sherloc (09022015). Collection method: clinical testing. Allele origin: germline.
Comment: This variant has not been reported in the literature in individuals affected with PCLO-related conditions. This sequence change replaces histidine, which is basic and polar, with arginine, which is basic and polar, at codon 3134 of the PCLO protein (p.His3134Arg). This variant is present in population databases (no rsID available, gnomAD 0.008%). ClinVar contains an entry for this variant (Variation ID: 1496809). Algorithms developed to predict the effect of missense changes on protein structure and function are either unavailable or do not agree on the potential impact of this missense change (SIFT: "Tolerated"; PolyPhen-2: "Not Available"; Align-GVGD: "Class C0"). In summary, the available evidence is currently insufficient to determine the role of this variant in disease. Therefore, it has been classified as a Variant of Uncertain Significance.

NM_033026.6(PCLO):c.9401A>G (p.His3134Arg)

Gene: PCLO (piccolo presynaptic cytomatrix protein; minus strand). Cytogenetic location: 7q21.11.
Variant type: single nucleotide variant.
Coding change: c.9401A>G on transcript NM_033026.6 (MANE Select); coding-DNA position 9401, A replaced by G.
Protein change: p.His3134Arg; replaces histidine 3134 with arginine.
Molecular consequence: missense variant.
Genome position (GRCh38, 1-based): chr7:82,951,187, T>C on the plus strand (A>G on the coding strand, the complement: PCLO is on the minus strand). VCF-style: chr7-82951187-T-C. GRCh37 (hg19) VCF-style: chr7-82580503-T-C.
Other names: c.9401A>G, p.His3134Arg (NM_014510.3); short protein forms H3134R.
Identifiers: ClinVar variation 1496809 (VCV001496809.6), dbSNP rs1343330467, ClinGen allele CA367908586.